The following is an entry in ClinVar:

NM_001367624.2(ZNF469):c.3688A>T (p.Thr1230Ser)

Gene: ZNF469 (zinc finger protein 469; plus strand). Cytogenetic location: 16q24.2.
Variant type: single nucleotide variant.
Coding change: c.3688A>T on transcript NM_001367624.2 (MANE Select); coding-DNA position 3688, A replaced by T.
Protein change: p.Thr1230Ser; replaces threonine 1230 with serine.
Molecular consequence: missense variant.
Genome position (GRCh38, 1-based): chr16:88,431,158, A>T. VCF-style: chr16-88431158-A-T. GRCh37 (hg19) VCF-style: chr16-88497566-A-T.
Other names: NM_001127464.1:c.3604A>T; short protein forms T1230S.
Identifiers: ClinVar variation 2175130 (VCV002175130.3), dbSNP rs1454477195, ClinGen allele CA397086203.

ClinVar aggregate classification (germline): Uncertain significance. Review status: criteria provided, multiple submitters, no conflicts (2 of 4 stars). 3 submissions from 3 submitters: Uncertain significance (3). Last evaluated 2024-05-04.

Conditions:
Cardiovascular phenotype. Identifiers: MedGen CN230736.

Allele frequency attached by ClinVar (database versions not stated): TOPMed below 0.00001; gnomAD 0.00001; gnomAD exomes 0.00003.
gnomAD v4.1: 45 of 1,550,080 alleles (0.0029%); highest among the groups gnomAD compares: Non-Finnish European, 0.0036%; no homozygotes.

Submissions (3):

Ambry Genetics
Classification: Uncertain significance for Cardiovascular phenotype. Last evaluated: 2024-05-04. Review status: criteria provided, single submitter. Criteria: Ambry Variant Classification Scheme 2023. Collection method: clinical testing. Allele origin: germline.
Comment: The p.T1202S variant (also known as c.3604A>T), located in coding exon 2 of the ZNF469 gene, results from an A to T substitution at nucleotide position 3604. The threonine at codon 1202 is replaced by serine, an amino acid with similar properties. This amino acid position is conserved. In addition, this alteration is predicted to be tolerated by in silico analysis. Based on the available evidence, the clinical significance of this variant remains unclear.

GeneDx
Classification: Uncertain significance. Last evaluated: 2023-05-25. Review status: criteria provided, single submitter. Criteria: GeneDx Variant Classification Process June 2021. Collection method: clinical testing. Allele origin: germline. Affected: yes.
Comment: Has not been previously published as pathogenic or benign to our knowledge; Not observed at significant frequency in large population cohorts (gnomAD); In silico analysis supports that this missense variant does not alter protein structure/function

Labcorp Genetics (formerly Invitae), Labcorp
Classification: Uncertain significance. Last evaluated: 2022-08-31. Review status: criteria provided, single submitter. Criteria: Invitae Variant Classification Sherloc (09022015). Collection method: clinical testing. Allele origin: germline.
Comment: This sequence change replaces threonine, which is neutral and polar, with serine, which is neutral and polar, at codon 1202 of the ZNF469 protein (p.Thr1202Ser). This variant is present in population databases (no rsID available, gnomAD 0.007%). This variant has not been reported in the literature in individuals affected with ZNF469-related conditions. Algorithms developed to predict the effect of missense changes on protein structure and function are either unavailable or do not agree on the potential impact of this missense change (SIFT: "Deleterious"; PolyPhen-2: "Benign"; Align-GVGD: "Class C0"). In summary, the available evidence is currently insufficient to determine the role of this variant in disease. Therefore, it has been classified as a Variant of Uncertain Significance.